The following is an entry in ClinVar:

NM_053025.4(MYLK):c.3893T>C (p.Leu1298Pro)

Gene: MYLK (myosin light chain kinase; minus strand). Cytogenetic location: 3q21.1.
Variant type: single nucleotide variant.
Coding change: c.3893T>C on transcript NM_053025.4 (MANE Select); coding-DNA position 3893, T replaced by C.
Protein change: p.Leu1298Pro; replaces leucine 1298 with proline.
Molecular consequence: missense variant.
Genome position (GRCh38, 1-based): chr3:123,664,197, A>G on the plus strand (T>C on the coding strand, the complement: MYLK is on the minus strand). VCF-style: chr3-123664197-A-G. GRCh37 (hg19) VCF-style: chr3-123383044-A-G.
Other names: c.3365T>C, p.Leu1122Pro (NM_001321309.2); c.3686T>C, p.Leu1229Pro (NM_053026.4, NM_053028.4); c.3893T>C, p.Leu1298Pro (NM_053027.4); short protein forms L1229P, L1122P, L1298P.
Identifiers: ClinVar variation 1735917 (VCV001735917.7), dbSNP rs2473642097, ClinGen allele CA354229242.

ClinVar aggregate classification (germline): Uncertain significance. Review status: criteria provided, multiple submitters, no conflicts (2 of 4 stars). 2 submissions from 2 submitters: Uncertain significance (2). Last evaluated 2022-02-03.

Conditions:
Familial thoracic aortic aneurysm and aortic dissection (TAAD). Also called: Thoracic aortic aneurysms and dissections. Identifiers: Orphanet 91387, MedGen C4707243, MONDO:0019625.
Aortic aneurysm, familial thoracic 7 (AAT7). Also called: AORTIC DISSECTION, FAMILIAL, WITH OR WITHOUT AORTIC ANEURYSM. Identifiers: MedGen C3151077, MONDO:0013418, OMIM 613780.

Allele frequency attached by ClinVar (database versions not stated): gnomAD exomes below 0.00001.

Submissions (2):

Labcorp Genetics (formerly Invitae), Labcorp
Classification: Uncertain significance for Aortic aneurysm, familial thoracic 7. Last evaluated: 2022-02-03. Review status: criteria provided, single submitter. Criteria: Invitae Variant Classification Sherloc (09022015). Collection method: clinical testing. Allele origin: germline.
Comment: This sequence change replaces leucine, which is neutral and non-polar, with proline, which is neutral and non-polar, at codon 1298 of the MYLK protein (p.Leu1298Pro). In summary, the available evidence is currently insufficient to determine the role of this variant in disease. Therefore, it has been classified as a Variant of Uncertain Significance. Advanced modeling of protein sequence and biophysical properties (such as structural, functional, and spatial information, amino acid conservation, physicochemical variation, residue mobility, and thermodynamic stability) performed at Invitae indicates that this missense variant is not expected to disrupt MYLK protein function. This variant has not been reported in the literature in individuals affected with MYLK-related conditions. This variant is not present in population databases (gnomAD no frequency).

Ambry Genetics
Classification: Uncertain significance for Familial thoracic aortic aneurysm and aortic dissection. Last evaluated: 2022-01-07. Review status: criteria provided, single submitter. Criteria: Ambry Variant Classification Scheme 2023. Collection method: clinical testing. Allele origin: germline.
Comment: The p.L1298P variant (also known as c.3893T>C), located in coding exon 20 of the MYLK gene, results from a T to C substitution at nucleotide position 3893. The leucine at codon 1298 is replaced by proline, an amino acid with similar properties. This amino acid position is conserved. In addition, the in silico prediction for this alteration is inconclusive. Since supporting evidence is limited at this time, the clinical significance of this alteration remains unclear.